The following is an entry in ClinVar:

NM_032119.4(ADGRV1):c.4703G>A (p.Ser1568Asn)

Gene: ADGRV1 (adhesion G protein-coupled receptor V1; plus strand). Cytogenetic location: 5q14.3.
Variant type: single nucleotide variant.
Coding change: c.4703G>A on transcript NM_032119.4 (MANE Select); coding-DNA position 4703, G replaced by A.
Protein change: p.Ser1568Asn; replaces serine 1568 with asparagine.
Molecular consequence: missense variant. On other transcripts: non-coding transcript variant (1).
Genome position (GRCh38, 1-based): chr5:90,658,229, G>A. VCF-style: chr5-90658229-G-A. GRCh37 (hg19) VCF-style: chr5-89954046-G-A.
Other names: c.4703G>A (NM_032119.3); short protein forms S1568N.
Identifiers: ClinVar variation 1448151 (VCV001448151.7), dbSNP rs758104018, ClinGen allele CA3339390.

ClinVar aggregate classification (germline): Conflicting classifications of pathogenicity. Review status: criteria provided, conflicting classifications (1 of 4 stars). 3 submissions from 3 submitters: Uncertain significance (2); Likely benign (1). Last evaluated 2024-12-08.

Allele frequency attached by ClinVar (database versions not stated): gnomAD 0.00001; gnomAD exomes 0.00003 and 0.00005; ExAC 0.00006.
gnomAD v4.1: 39 of 1,545,912 alleles (0.0025%); highest among the groups gnomAD compares: East Asian, 0.081%; no homozygotes.

Submissions (3):

Labcorp Genetics (formerly Invitae), Labcorp
Classification: Likely benign. Last evaluated: 2024-12-08. Review status: criteria provided, single submitter. Criteria: Invitae Variant Classification Sherloc (09022015). Collection method: clinical testing. Allele origin: germline.

Women's Health and Genetics/Laboratory Corporation of America, LabCorp
Classification: Uncertain significance. Last evaluated: 2023-07-31. Review status: criteria provided, single submitter. Criteria: LabCorp Variant Classification Summary - May 2015. Collection method: clinical testing. Allele origin: germline.
Comment: Variant summary: ADGRV1 c.4703G>A (p.Ser1568Asn) results in a conservative amino acid change located in the Na-Ca exchanger/integrin-beta4 (IPR003644) of the encoded protein sequence. Three of five in-silico tools predict a damaging effect of the variant on protein function. The variant allele was found at a frequency of 5.5e-05 in 201350 control chromosomes (gnomAD). This frequency is not significantly higher than estimated for a pathogenic variant in ADGRV1 causing Usher Syndrome (5.5e-05 vs 0.0054), allowing no conclusion about variant significance. c.4703G>A has been reported in the literature in individuals affected with Usher Syndrome, hearing loss, epilepsy, or suspected retinitis pigmentosa without strong evidence of causality (Miyagawa_2013, Gao_2019, Hou_2020, Leng_2022, Lee_2018). These reports do not provide unequivocal conclusions about association of the variant with Usher Syndrome. To our knowledge, no experimental evidence demonstrating an impact on protein function has been reported. The following publications have been ascertained in the context of this evaluation (PMID: 23967202, 31054281, 31980526, 36399868, 29924869). One submitter has cited a clinical-significance assessment for this variant to ClinVar after 2014 and has classified the variant as likely benign. Based on the evidence outlined above, the variant was classified as uncertain significance.

Blueprint Genetics
Classification: Uncertain significance. Last evaluated: 2022-07-06. Review status: criteria provided, single submitter. Criteria: ACMG Guidelines, 2015. Collection method: clinical testing. Allele origin: germline.

Literature cited by the submitters: PubMed 23967202 (cited by Women's Health and Genetics/Laboratory Corporation of America, LabCorp); PubMed 31054281 (cited by Women's Health and Genetics/Laboratory Corporation of America, LabCorp); PubMed 31980526 (cited by Women's Health and Genetics/Laboratory Corporation of America, LabCorp); PubMed 29924869 (cited by Women's Health and Genetics/Laboratory Corporation of America, LabCorp); PubMed 36399868 (cited by Women's Health and Genetics/Laboratory Corporation of America, LabCorp).